The following is an entry in ClinVar:

NM_004958.4(MTOR):c.1668C>G (p.Gly556=)

Gene: MTOR (mechanistic target of rapamycin kinase; minus strand). Cytogenetic location: 1p36.22.
Variant type: single nucleotide variant.
Coding change: c.1668C>G on transcript NM_004958.4 (MANE Select); coding-DNA position 1668, C replaced by G.
Protein change: p.Gly556=; no amino-acid change (glycine 556 retained).
Molecular consequence: synonymous variant.
Genome position (GRCh38, 1-based): chr1:11,240,421, G>C on the plus strand (C>G on the coding strand, the complement: MTOR is on the minus strand). VCF-style: chr1-11240421-G-C. GRCh37 (hg19) VCF-style: chr1-11300478-G-C.
Other names: c.1668C>G, p.Gly556= (NM_001386500.1); c.420C>G, p.Gly140= (NM_001386501.1).
Identifiers: ClinVar variation 3027094 (VCV003027094.22), dbSNP rs2100909846, ClinGen allele CA415923634.

ClinVar aggregate classification (germline): Likely benign (1 of 4 stars; one submission).

Submission:

CeGaT Center for Human Genetics Tuebingen
Classification: Likely benign. Last evaluated: 2024-02-01. Review status: criteria provided, single submitter. Criteria: CeGaT Center For Human Genetics Tuebingen Variant Classification Criteria Version 2. Collection method: clinical testing. Allele origin: germline. Affected: yes. Observed: 1 variant allele.
Comment: MTOR: PM2:Supporting, BP4, BP7